The following is an entry in ClinVar:

ClinVar aggregate classification (germline): Uncertain significance (1 of 4 stars; one submission).

Conditions:
Hereditary spastic paraplegia 7 (SPG7). Also called: Spastic paraplegia 7; Hereditary spastic paraplegia Paraplegin type; SPG7-related neurologic disorder; SPASTIC PARAPLEGIA 7, AUTOSOMAL RECESSIVE, WITH OR WITHOUT CEREBELLAR ATAXIA; Autosomal recessive spastic paraplegia type 7. Identifiers: Orphanet 99013, MedGen C1846564, MONDO:0011803, OMIM 607259.

Allele frequency attached by ClinVar (database versions not stated): TOPMed below 0.00001; ExAC 0.00001; gnomAD exomes 0.00001.
gnomAD v4.1: 3 of 1,613,490 alleles (0.00019%); highest among the groups gnomAD compares: Admixed American, 0.005%; no homozygotes.

Submission:

Labcorp Genetics (formerly Invitae), Labcorp
Classification: Uncertain significance for Hereditary spastic paraplegia 7. Last evaluated: 2024-02-24. Review status: criteria provided, single submitter. Criteria: Invitae Variant Classification Sherloc (09022015). Collection method: clinical testing. Allele origin: germline.
Comment: This sequence change replaces aspartic acid, which is acidic and polar, with glutamic acid, which is acidic and polar, at codon 772 of the SPG7 protein (p.Asp772Glu). This variant is present in population databases (rs766743469, gnomAD 0.009%). This variant has not been reported in the literature in individuals affected with SPG7-related conditions. ClinVar contains an entry for this variant (Variation ID: 2197002). Algorithms developed to predict the effect of missense changes on protein structure and function output the following: SIFT: "Not Available"; PolyPhen-2: "Benign"; Align-GVGD: "Not Available". The glutamic acid amino acid residue is found in multiple mammalian species, which suggests that this missense change does not adversely affect protein function. In summary, the available evidence is currently insufficient to determine the role of this variant in disease. Therefore, it has been classified as a Variant of Uncertain Significance.

NM_003119.4(SPG7):c.2316C>G (p.Asp772Glu)

Gene: SPG7 (SPG7 matrix AAA peptidase subunit, paraplegin; plus strand). Cytogenetic location: 16q24.3.
Variant type: single nucleotide variant.
Coding change: c.2316C>G on transcript NM_003119.4 (MANE Select); coding-DNA position 2316, C replaced by G.
Protein change: p.Asp772Glu; replaces aspartic acid 772 with glutamic acid.
Molecular consequence: missense variant. On other transcripts: 3 prime UTR variant (1).
Genome position (GRCh38, 1-based): chr16:89,557,021, C>G. VCF-style: chr16-89557021-C-G. GRCh37 (hg19) VCF-style: chr16-89623429-C-G.
Other names: c.*94C>G (NM_001363850.1); short protein forms D772E.
Identifiers: ClinVar variation 2197002 (VCV002197002.4), dbSNP rs766743469, ClinGen allele CA8244651.